The following is an entry in ClinVar:

NM_005515.4(MNX1):c.71A>G (p.Gln24Arg)

Gene: MNX1 (motor neuron and pancreas homeobox 1; minus strand). Cytogenetic location: 7q36.3.
Variant type: single nucleotide variant.
Coding change: c.71A>G on transcript NM_005515.4 (MANE Select); coding-DNA position 71, A replaced by G.
Protein change: p.Gln24Arg; replaces glutamine 24 with arginine.
Molecular consequence: missense variant.
Genome position (GRCh38, 1-based): chr7:157,010,280, T>C on the plus strand (A>G on the coding strand, the complement: MNX1 is on the minus strand). VCF-style: chr7-157010280-T-C. GRCh37 (hg19) VCF-style: chr7-156802974-T-C.
Other names: short protein forms Q24R.
Identifiers: ClinVar variation 1462801 (VCV001462801.8), dbSNP rs1300902069, ClinGen allele CA370165309.
Genomic context (GRCh38, chr7:157,010,280, plus strand): 5'-CCACCTCCGGTGCCAGATGCGGCGGCGGCGAGCGACGTGACCAAGGCCAGCGGCGCGCTC[T>C]GCGCAGAGGCGGCTCGTGGGGGGTCCACCGCCAGCAGGGCGTCGATGCGGAAATTTTTGG-3'
Protein context (NP_005506.3, residues 14-34): AVDPPRAASA[Gln24Arg]SAPLALVTSL

ClinVar aggregate classification (germline): Uncertain significance (1 of 4 stars; one submission).

Allele frequency attached by ClinVar (database versions not stated): TOPMed 0.00001; gnomAD 0.00002.

Submission:

Labcorp Genetics (formerly Invitae), Labcorp
Classification: Uncertain significance. Last evaluated: 2023-07-19. Review status: criteria provided, single submitter. Criteria: Invitae Variant Classification Sherloc (09022015). Collection method: clinical testing. Allele origin: germline.
Comment: ClinVar contains an entry for this variant (Variation ID: 1462801). This sequence change replaces glutamine, which is neutral and polar, with arginine, which is basic and polar, at codon 24 of the MNX1 protein (p.Gln24Arg). This variant is not present in population databases (gnomAD no frequency). This variant has not been reported in the literature in individuals affected with MNX1-related conditions. Experimental studies and prediction algorithms are not available or were not evaluated, and the functional significance of this variant is currently unknown. In summary, the available evidence is currently insufficient to determine the role of this variant in disease. Therefore, it has been classified as a Variant of Uncertain Significance.